The following is an entry in ClinVar:

NM_000020.3(ACVRL1):c.1359_1360delinsT (p.Arg454fs)

Gene: ACVRL1 (activin A receptor like type 1; plus strand). Cytogenetic location: 12q13.13.
Variant type: Indel.
Coding change: c.1359_1360delinsT on transcript NM_000020.3 (MANE Select); coding-DNA positions 1359 to 1360, CC replaced by T.
Protein change: p.Arg454fs; shifts the reading frame from arginine 454.
Molecular consequence: frameshift variant.
Genome position (GRCh38, 1-based): chr12:51,919,097-51,919,098, CC replaced by T. VCF-style: chr12-51919097-CC-T. GRCh37 (hg19) VCF-style: chr12-52312881-CC-T.
Other names: c.1047_1048delinsT, p.Arg350fs (NM_001406492.1, NM_001406493.1, NM_001406491.1); c.849_850delinsT, p.Arg284fs (NM_001406494.1); c.795_796delinsT, p.Arg266fs (NM_001406495.1); c.1359_1360delinsT, p.Arg454fs (NM_001077401.2, NM_001406487.1, NM_001406488.1 and 1 more transcripts); c.1203_1204delinsT, p.Arg402fs (NM_001406490.1); c.1359_1360delCCinsT (NM_000020.3); short protein forms R266fs, R284fs, R350fs, R402fs, R454fs.
Identifiers: ClinVar variation 3068570 (VCV003068570.1), dbSNP rs2540170879, ClinGen allele CA2573320312.

ClinVar aggregate classification (germline): Likely pathogenic (1 of 4 stars; one submission).

Conditions:
Hereditary hemorrhagic telangiectasia (HHT). Also called: ORW DISEASE; Osler Weber Rendu syndrome; OSLER-RENDU-WEBER DISEASE; Osler hemorrhagic telangiectasia syndrome. Identifiers: Orphanet 774, MedGen C0039445, MONDO:0019180. Disease mechanism: loss of function.

Submission:

Molecular Genetics, Royal Melbourne Hospital
Classification: Likely pathogenic for Hereditary hemorrhagic telangiectasia. Last evaluated: 2023-03-30. Review status: criteria provided, single submitter. Criteria: ACMG Guidelines, 2015. Collection method: clinical testing. Allele origin: germline. Affected: yes.
Comment: This sequence change in ACVRL1 is a frameshift variant that may cause a premature stop codon, p.(Arg454Glyfs*11) that is predicted to escape nonsense-mediated decay and remove <10% of the protein, however it is a truncation of a functionally important region (protein kinase domain) in a gene where loss-of-function is an established disease mechanism (PMID: 16282348). This variant is absent from gnomAD v2.1 and v3.1. To our knowledge, this multi-nucleotide variant has not been reported in the literature in any individuals with ACVRL1-related disease. It has been identified in at least one proband with a clinical diagnosis of hereditary haemorrhagic telangiectasia (Royal Melbourne Hospital). Based on the classification scheme RMH Modified ACMG Guidelines v1.5.1, this variant is classified as LIKELY PATHOGENIC. Following criteria are met: PVS1_Strong, PS4_Supporting, PM2_Supporting.

Literature cited by the submitters: PubMed 16282348.